The following is an entry in ClinVar:

ClinVar aggregate classification (germline): Uncertain significance (1 of 4 stars; one submission).

Conditions:
Bethlem myopathy 1A. Also called: MYOPATHY, BENIGN CONGENITAL, WITH CONTRACTURES; Bethlem myopathy 1; Bethlem Muscular Dystrophy. Identifiers: Orphanet 610, MedGen CN029274, MONDO:0024530, OMIM 158810.

Submission:

Labcorp Genetics (formerly Invitae), Labcorp
Classification: Uncertain significance for Bethlem myopathy 1A. Last evaluated: 2023-12-11. Review status: criteria provided, single submitter. Criteria: Invitae Variant Classification Sherloc (09022015). Collection method: clinical testing. Allele origin: unknown.
Comment: This variant is a gross deletion of the genomic region encompassing exon(s) 33-35 of the COL6A1 gene, which includes the termination codon. This deletion extends beyond the assayed region for this gene and therefore may encompass additional genes. While this deletion is not anticipated to lead to nonsense mediated decay, it is expected to alter mRNA translation or result in a truncated protein product. This variant has not been reported in the literature in individuals affected with COL6A1-related conditions. This variant disrupts a region of the COL6A1 protein in which other variant(s) (p.Cys810*) have been observed in individuals with COL6A1-related conditions (Invitae). This suggests that this is a clinically significant region of the protein, and that variants that disrupt it are likely to be disease-causing. In summary, the available evidence is currently insufficient to determine the role of this variant in disease. Therefore, it has been classified as a Variant of Uncertain Significance.

NC_000021.8:g.(?_47422421)_(47423927_?)del

Gene: COL6A1 (collagen type VI alpha 1 chain; plus strand). Cytogenetic location: 21q22.3.
Variant type: Deletion.
Identifiers: ClinVar variation 3248164 (VCV003248164.1).